The following is an entry in ClinVar:

NM_000238.4(KCNH2):c.46del (p.Asp16fs)

Gene: KCNH2 (potassium voltage-gated channel subfamily H member 2; minus strand). Cytogenetic location: 7q36.1.
Variant type: Deletion.
Coding change: c.46del on transcript NM_000238.4 (MANE Select); coding-DNA position 46, one base deleted (G; older notation c.46delG).
Protein change: p.Asp16fs; shifts the reading frame from aspartic acid 16.
Molecular consequence: frameshift variant.
Genome position (GRCh38, 1-based): chr7:150,977,868, C deleted on the plus strand (G on the coding strand, the reverse complement: KCNH2 is on the minus strand); the first of 2 consecutive C bases (chr7:150,977,868-150,977,869); deleting either gives the same sequence. VCF-style (leftmost placement, unchanged base first): chr7-150977867-TC-T. GRCh37 (hg19) VCF-style: chr7-150674955-TC-T.
Other names: c.46delG (NM_000238.3); c.45delG, p.Asp16Thrfs (NM_172056.3); short protein forms D16fs.
Identifiers: ClinVar variation 638156 (VCV000638156.10), dbSNP rs1584885912, ClinGen allele CA915945563.

ClinVar aggregate classification (germline): Pathogenic. Review status: criteria provided, single submitter (1 of 4 stars). 2 submissions from 2 submitters: Pathogenic (1). 1 of the submissions does not count toward it. Last evaluated 2022-05-01.

Conditions:
Long QT syndrome (LQTS). Identifiers: MedGen C0023976, MeSH D008133, MONDO:0002442. Disease mechanism: loss of function. Inheritance: Various modes of inheritance.
Long QT syndrome 2 (LQT2). Identifiers: Orphanet 101016, Orphanet 768, MedGen C3150943, MONDO:0013367, OMIM 613688.

Submissions (2):

Labcorp Genetics (formerly Invitae), Labcorp
Classification: Pathogenic for Long QT syndrome. Last evaluated: 2022-05-01. Review status: criteria provided, single submitter. Criteria: Invitae Variant Classification Sherloc (09022015). Collection method: clinical testing. Allele origin: germline.
Comment: For these reasons, this variant has been classified as Pathogenic. ClinVar contains an entry for this variant (Variation ID: 638156). This variant has not been reported in the literature in individuals affected with KCNH2-related conditions. This variant is not present in population databases (gnomAD no frequency). This sequence change creates a premature translational stop signal (p.Asp16Thrfs*44) in the KCNH2 gene. It is expected to result in an absent or disrupted protein product. Loss-of-function variants in KCNH2 are known to be pathogenic (PMID: 10973849, 19862833).

Cardiogenomic Section, Hospital Ramos Mejia
Classification: Pathogenic for Long QT syndrome 2. Last evaluated: 2019-06-05. Review status: no assertion criteria provided. Collection method: case-control. Allele origin: somatic. Inheritance: Autosomal dominant inheritance. Affected: yes. Clinical features observed: Syncope (HP:0001279), Prolonged QT interval (HP:0001657). Not counted in ClinVar's aggregate classification.
Comment: The c.46delG variant that occurs in exon 1 of the KCNH2 gene generates a frame shift mutation that results in a premature termination codon in exon 2 (p.Asp16Thrfs*44) and produces a truncated alpha-subunit of Kv11.1 channel with a loss of 90% of amino acids.

Literature cited by the submitters: PubMed 10973849 (cited by Labcorp Genetics (formerly Invitae), Labcorp); PubMed 19862833 (cited by Labcorp Genetics (formerly Invitae), Labcorp).